The following is an entry in ClinVar:

NM_000540.3(RYR1):c.13671_13672delinsGT (p.Arg4558Trp)

Gene: RYR1 (ryanodine receptor 1; plus strand). Cytogenetic location: 19q13.2.
Variant type: Indel.
Coding change: c.13671_13672delinsGT on transcript NM_000540.3 (MANE Select); coding-DNA positions 13671 to 13672, CC replaced by GT.
Protein change: p.Arg4558Trp; replaces arginine 4558 with tryptophan.
Molecular consequence: missense variant.
Genome position (GRCh38, 1-based): chr19:38,570,618-38,570,619, CC replaced by GT. VCF-style: chr19-38570618-CC-GT. GRCh37 (hg19) VCF-style: chr19-39061258-CC-GT.
Other names: c.13656_13657delinsGT, p.Arg4553Trp (NM_001042723.2); short protein forms R4553W, R4558W.
Identifiers: ClinVar variation 4772988 (VCV004772988.1).

ClinVar aggregate classification (germline): Pathogenic (1 of 4 stars; one submission).

Conditions:
RYR1-related disorder. Also called: RYR1-related condition; RYR1-related disorders. Identifiers: MedGen CN239331.

Submission:

Labcorp Genetics (formerly Invitae), Labcorp
Classification: Pathogenic for RYR1-related disorder. Last evaluated: 2025-12-01. Review status: criteria provided, single submitter. Criteria: Invitae Variant Classification Sherloc (09022015). Collection method: clinical testing. Allele origin: germline.
Comment: This sequence change replaces arginine, which is basic and polar, with tryptophan, which is neutral and slightly polar, at codon 4558 of the RYR1 protein (p.Arg4558Trp). Information on the frequency of this variant in the gnomAD database is not available, as this variant may be reported differently in the database. This missense change has been observed in individual(s) with congenital myopathy (PMID: 28269792, 28818389, 32403337). Experimental studies and prediction algorithms are not available or were not evaluated, and the functional significance of this variant is currently unknown. This variant disrupts the p.Arg4558 amino acid residue in RYR1. Other variant(s) that disrupt this residue have been determined to be pathogenic (PMID: 17226826, 18253926, 25747005). This suggests that this residue is clinically significant, and that variants that disrupt this residue are likely to be disease-causing. For these reasons, this variant has been classified as Pathogenic.

Literature cited by the submitters: PubMed 28269792; PubMed 28818389; PubMed 32403337; PubMed 17226826; PubMed 18253926; PubMed 25747005.